The following is an entry in ClinVar:

ClinVar aggregate classification (germline): Uncertain significance (1 of 4 stars; one submission).

Submission:

Ambry Genetics
Classification: Uncertain significance. Last evaluated: 2024-11-01. Review status: criteria provided, single submitter. Criteria: Ambry Variant Classification Scheme 2023. Collection method: clinical testing. Allele origin: germline.
Comment: The p.E353V variant (also known as c.1058A>T), located in coding exon 8 of the RINT1 gene, results from an A to T substitution at nucleotide position 1058. The glutamic acid at codon 353 is replaced by valine, an amino acid with dissimilar properties. This amino acid position is conserved. In addition, this alteration is predicted to be tolerated by in silico analysis. Based on the available evidence, the clinical significance of this variant remains unclear.

NM_021930.6(RINT1):c.1058A>T (p.Glu353Val)

Gene: RINT1 (RAD50 interactor 1; plus strand). Cytogenetic location: 7q22.3.
Variant type: single nucleotide variant.
Coding change: c.1058A>T on transcript NM_021930.6 (MANE Select); coding-DNA position 1058, A replaced by T.
Protein change: p.Glu353Val; replaces glutamic acid 353 with valine.
Molecular consequence: missense variant. On other transcripts: non-coding transcript variant (1).
Genome position (GRCh38, 1-based): chr7:105,550,116, A>T. VCF-style: chr7-105550116-A-T. GRCh37 (hg19) VCF-style: chr7-105190563-A-T.
Other names: c.824A>T, p.Glu275Val (NM_001346599.2); c.35A>T, p.Glu12Val (NM_001346600.2, NM_001346603.2); c.134A>T, p.Glu45Val (NM_001346601.2); short protein forms E45V, E353V, E12V, E275V.
Identifiers: ClinVar variation 3433645 (VCV003433645.1).
Genomic context (GRCh38, chr7:105,550,116, plus strand): 5'-CAGAATGGTACTTGGCTCAAGTACTTATGTGGATTGGAAACCATACTGAATTTCTGGATG[A>T]GAAGATTCAGCCAATATTAGACAAAGTAGGCTCTTTGGTAAACGCAAGGGTAAGAGACTC-3'
Protein context (NP_068749.3, residues 343-363): WIGNHTEFLD[Glu353Val]KIQPILDKVG